The following is an entry in ClinVar:

ClinVar aggregate classification (germline): Likely pathogenic (1 of 4 stars; one submission).

Conditions:
Gorlin syndrome. Also called: Nevoid Basal Cell Carcinoma Syndrome; Basal cell nevus syndrome. Identifiers: Orphanet 377, MedGen C0004779, MONDO:0007187.

Submission:

Labcorp Genetics (formerly Invitae), Labcorp
Classification: Likely pathogenic for Gorlin syndrome. Last evaluated: 2024-06-02. Review status: criteria provided, single submitter. Criteria: Invitae Variant Classification Sherloc (09022015). Collection method: clinical testing. Allele origin: germline.
Comment: This sequence change affects a donor splice site in intron 17 of the PTCH1 gene. It is expected to disrupt RNA splicing. Variants that disrupt the donor or acceptor splice site typically lead to a loss of protein function (PMID: 16199547), and loss-of-function variants in PTCH1 are known to be pathogenic (PMID: 16301862, 16419085). This variant is not present in population databases (gnomAD no frequency). Disruption of this splice site has been observed in individual(s) with basal cell nevus syndrome and is reported as 2875+1G>C (PMID: 8840969). Algorithms developed to predict the effect of sequence changes on RNA splicing suggest that this variant may disrupt the consensus splice site. In summary, the currently available evidence indicates that the variant is pathogenic, but additional data are needed to prove that conclusively. Therefore, this variant has been classified as Likely Pathogenic.

Literature cited by the submitters: PubMed 16199547; PubMed 16301862; PubMed 16419085; PubMed 8840969.

NM_000264.5(PTCH1):c.2887+1G>A

Gene: PTCH1 (patched 1; minus strand). Cytogenetic location: 9q22.32.
Variant type: single nucleotide variant.
Coding change: c.2887+1G>A on transcript NM_000264.5 (MANE Select); the canonical splice donor site of the intron after coding-DNA position 2887, G replaced by A.
Molecular consequence: splice donor variant.
Genome position (GRCh38, 1-based): chr9:95,459,599, C>T on the plus strand (G>A on the coding strand, the complement: PTCH1 is on the minus strand). VCF-style: chr9-95459599-C-T. GRCh37 (hg19) VCF-style: chr9-98221881-C-T.
Other names: c.2884+1G>A (NM_001083603.3); c.2689+1G>A (NM_001083602.3); c.2731+1G>A (NM_001354918.2); c.2434+1G>A (NM_001083605.3, NM_001083604.3, NM_001083606.3 and 1 more transcripts).
Identifiers: ClinVar variation 2848587 (VCV002848587.3), dbSNP rs2136669781, ClinGen allele CA374112863.
Genomic context (GRCh38, chr9:95,459,599, plus strand): 5'-TTGGAGAACCAGGGAAGGCACCTCTGTAAGTTCCCAGACCTCCCGATAAAACGCTACTTA[C>T]TTCTCAGCCTTGTTTCAGGCATGTAGTCGGCTTTGTCGTGGACCCATTCTGGTCGGTGTG-3'